The following is an entry in ClinVar:

NM_002582.4(PARN):c.328-2A>G

Gene: PARN (poly(A)-specific ribonuclease; minus strand). Cytogenetic location: 16p13.12.
Variant type: single nucleotide variant.
Coding change: c.328-2A>G on transcript NM_002582.4 (MANE Select); the canonical splice acceptor site of the intron before coding-DNA position 328, A replaced by G.
Molecular consequence: splice acceptor variant.
Genome position (GRCh38, 1-based): chr16:14,617,652, T>C on the plus strand (A>G on the coding strand, the complement: PARN is on the minus strand). VCF-style: chr16-14617652-T-C. GRCh37 (hg19) VCF-style: chr16-14711509-T-C.
Other names: c.145-2A>G (NM_001134477.3); c.190-2A>G (NM_001242992.2).
Identifiers: ClinVar variation 1969760 (VCV001969760.5), dbSNP rs2508495416, ClinGen allele CA394813305.

ClinVar aggregate classification (germline): Likely pathogenic (1 of 4 stars; one submission).

Conditions:
Dyskeratosis congenita, autosomal recessive 6 (DKCB6). Identifiers: MedGen C4225356, MONDO:0014600, OMIM 616353.
Pulmonary fibrosis and/or bone marrow failure, Telomere-related, 4. Also called: PULMONARY FIBROSIS AND/OR BONE MARROW FAILURE SYNDROME, TELOMERE-RELATED, 4. Identifiers: Orphanet 2032, MedGen C4225347, MONDO:0014612, OMIM 616371.

gnomAD v4.1: 2 of 1,580,340 alleles (0.00013%); highest among the groups gnomAD compares: Non-Finnish European, 0.00017%; no homozygotes.

Submission:

Labcorp Genetics (formerly Invitae), Labcorp
Classification: Likely pathogenic for Dyskeratosis congenita, autosomal recessive 6; Pulmonary fibrosis and/or bone marrow failure, Telomere-related, 4. Last evaluated: 2023-11-28. Review status: criteria provided, single submitter. Criteria: Invitae Variant Classification Sherloc (09022015). Collection method: clinical testing. Allele origin: germline.
Comment: This sequence change affects an acceptor splice site in intron 5 of the PARN gene. It is expected to disrupt RNA splicing. Variants that disrupt the donor or acceptor splice site typically lead to a loss of protein function (PMID: 16199547), and loss-of-function variants in PARN are known to be pathogenic (PMID: 9736620, 25848748, 26810774). This variant is not present in population databases (gnomAD no frequency). This variant has not been reported in the literature in individuals affected with PARN-related conditions. ClinVar contains an entry for this variant (Variation ID: 1969760). Algorithms developed to predict the effect of sequence changes on RNA splicing suggest that this variant may disrupt the consensus splice site. In summary, the currently available evidence indicates that the variant is pathogenic, but additional data are needed to prove that conclusively. Therefore, this variant has been classified as Likely Pathogenic.

Literature cited by the submitters: PubMed 16199547; PubMed 9736620; PubMed 25848748; PubMed 26810774.